The following is an entry in ClinVar:

NM_014249.4(NR2E3):c.118+14T>A

Gene: NR2E3 (nuclear receptor subfamily 2 group E member 3; plus strand). Cytogenetic location: 15q23.
Variant type: single nucleotide variant.
Coding change: c.118+14T>A on transcript NM_014249.4 (MANE Select); 14 bases into the intron after coding-DNA position 118, T replaced by A.
Molecular consequence: intron variant.
Genome position (GRCh38, 1-based): chr15:71,810,875, T>A. VCF-style: chr15-71810875-T-A. GRCh37 (hg19) VCF-style: chr15-72103215-T-A.
Other names: c.118+14T>A (NM_016346.4).
Identifiers: ClinVar variation 1412515 (VCV001412515.6), dbSNP rs2054173125, ClinGen allele CA2186513203.

ClinVar aggregate classification (germline): Uncertain significance (1 of 4 stars; one submission).

Allele frequency attached by ClinVar (database versions not stated): TOPMed 0.00001.

Submission:

Labcorp Genetics (formerly Invitae), Labcorp
Classification: Uncertain significance. Last evaluated: 2022-10-13. Review status: criteria provided, single submitter. Criteria: Invitae Variant Classification Sherloc (09022015). Collection method: clinical testing. Allele origin: germline.
Comment: In summary, the available evidence is currently insufficient to determine the role of this variant in disease. Therefore, it has been classified as a Variant of Uncertain Significance. Algorithms developed to predict the effect of sequence changes on RNA splicing suggest that this variant is not likely to affect RNA splicing. ClinVar contains an entry for this variant (Variation ID: 1412515). This variant has been observed in individual(s) with clinical features of retinitis pigmentosa (Invitae). This variant is not present in population databases (gnomAD no frequency). This sequence change falls in intron 1 of the NR2E3 gene. It does not directly change the encoded amino acid sequence of the NR2E3 protein.